The following is an entry in ClinVar:

NM_017636.4(TRPM4):c.3529C>T (p.Arg1177Trp)

Gene: TRPM4 (transient receptor potential cation channel subfamily M member 4; plus strand). Cytogenetic location: 19q13.33.
Variant type: single nucleotide variant.
Coding change: c.3529C>T on transcript NM_017636.4 (MANE Select); coding-DNA position 3529, C replaced by T.
Protein change: p.Arg1177Trp; replaces arginine 1177 with tryptophan.
Molecular consequence: missense variant.
Genome position (GRCh38, 1-based): chr19:49,211,082, C>T. VCF-style: chr19-49211082-C-T. GRCh37 (hg19) VCF-style: chr19-49714339-C-T.
Other names: c.3094C>T, p.Arg1032Trp (NM_001195227.2); c.3184C>T, p.Arg1062Trp (NM_001321281.2); c.1921C>T, p.Arg641Trp (NM_001321282.2); c.3007C>T, p.Arg1003Trp (NM_001321283.2); c.2467C>T, p.Arg823Trp (NM_001321285.2); short protein forms R1062W, R1177W, R641W, R1003W, R1032W, R823W.
Identifiers: ClinVar variation 3811046 (VCV003811046.1).
Genomic context (GRCh38, chr19:49,211,082, plus strand): 5'-TTGGCACTGAAACAGCTGGGACACATCCGCGAGTACGAACAGCGCCTGAAAGTGCTGGAG[C>T]GGGAGGTGAGGCCTTGGGGCCTGGCTGGGGGACTGTGGCAGGGGTCCCATCTCCCGCTCT-3'
Protein context (NP_060106.2, residues 1167-1187): EYEQRLKVLE[Arg1177Trp]EVQQCSRVLG

ClinVar aggregate classification (germline): Uncertain significance (1 of 4 stars; one submission).

Conditions:
Cardiovascular phenotype. Identifiers: MedGen CN230736.

gnomAD v4.1: 3 of 1,613,994 alleles (0.00019%); highest among the groups gnomAD compares: South Asian, 0.0022%; no homozygotes.

Submission:

Ambry Genetics
Classification: Uncertain significance for Cardiovascular phenotype. Last evaluated: 2025-01-19. Review status: criteria provided, single submitter. Criteria: Ambry Variant Classification Scheme 2023. Collection method: clinical testing. Allele origin: germline.
Comment: The p.R1177W variant (also known as c.3529C>T), located in coding exon 23 of the TRPM4 gene, results from a C to T substitution at nucleotide position 3529. The arginine at codon 1177 is replaced by tryptophan, an amino acid with dissimilar properties. This amino acid position is conserved. In addition, this alteration is predicted to be tolerated by in silico analysis. Based on the available evidence, the clinical significance of this variant remains unclear.